The following is an entry in ClinVar:

ClinVar aggregate classification (germline): Conflicting classifications of pathogenicity. Review status: criteria provided, conflicting classifications (1 of 4 stars). 2 submissions from 2 submitters: Likely pathogenic (1); Uncertain significance (1). Last evaluated 2023-05-25.

Conditions:
Familial cancer of breast. Also called: BREAST CANCER, FAMILIAL; hereditary breast carcinoma; Hereditary breast cancer. Identifiers: Orphanet 227535, MedGen C0346153, MONDO:0016419, OMIM 114480. Disease mechanism: loss of function.
Hereditary cancer-predisposing syndrome. Also called: Neoplastic Syndromes, Hereditary; Hereditary Cancer Syndrome; Hereditary neoplastic syndrome; Tumor predisposition. Identifiers: Orphanet 140162, MedGen C0027672, MeSH D009386, MONDO:0015356.

Submissions (2):

Myriad Genetics, Inc.
Classification: Likely pathogenic for Familial cancer of breast. Last evaluated: 2023-05-25. Review status: criteria provided, single submitter. Criteria: Myriad Autosomal Dominant, Autosomal Recessive and X-Linked Classification Criteria (2023). Collection method: clinical testing. Allele origin: unknown.
Comment: This variant is considered likely pathogenic. This variant occurs within a consensus splice junction and is predicted to result in abnormal mRNA splicing of either an out-of-frame exon or an in-frame exon necessary for protein stability and/or normal function.

Ambry Genetics
Classification: Uncertain significance for Hereditary cancer-predisposing syndrome. Last evaluated: 2023-05-10. Review status: criteria provided, single submitter. Criteria: Ambry Variant Classification Scheme 2023. Collection method: clinical testing. Allele origin: germline.
Comment: The c.2002-1G>C intronic variant results from a G to C substitution one nucleotide upstream from coding exon 11 of the BARD1 gene. This nucleotide position is highly conserved in available vertebrate species. Alterations that disrupt the canonical splice site are expected to result in aberrant splicing. In silico splice site analysis predicts that this alteration will weaken the native splice acceptor site and will result in the creation or strengthening of a novel splice acceptor site. The resulting transcript is predicted to be in-frame and is not expected to trigger nonsense-mediated mRNA decay; however, direct evidence for this alteration is unavailable. RNA studies have demonstrated that other alterations at this canonical splice site result in a transcript predicted to lead to a protein with an in-frame deletion of three amino acids; however, the exact functional impact of the deleted amino acids is unknown at this time (Ambry internal data). Since supporting evidence is limited at this time, the clinical significance of this alteration remains unclear.

NM_000465.4(BARD1):c.2002-1G>C

Gene: BARD1 (BRCA1 associated RING domain 1; minus strand). Cytogenetic location: 2q35.
Variant type: single nucleotide variant.
Coding change: c.2002-1G>C on transcript NM_000465.4 (MANE Select); the canonical splice acceptor site of the intron before coding-DNA position 2002, G replaced by C.
Molecular consequence: splice acceptor variant.
Genome position (GRCh38, 1-based): chr2:214,729,009, C>G on the plus strand (G>C on the coding strand, the complement: BARD1 is on the minus strand). VCF-style: chr2-214729009-C-G. GRCh37 (hg19) VCF-style: chr2-215593733-C-G.
Other names: c.592-1G>C (NM_001282548.2); c.1945-1G>C (NM_001282543.2); c.649-1G>C (NM_001282545.2); c.463-1G>C (NM_001282549.2).
Identifiers: ClinVar variation 479155 (VCV000479155.8), dbSNP rs762601855, ClinGen allele CA350450833.